The following is an entry in ClinVar:

NM_000372.5(TYR):c.286dup (p.Met96fs)

Gene: TYR (tyrosinase; plus strand). Cytogenetic location: 11q14.3.
Variant type: Duplication.
Coding change: c.286dup on transcript NM_000372.5 (MANE Select); coding-DNA position 286, one base duplicated (A; older notation c.286dupA).
Protein change: p.Met96fs; shifts the reading frame from methionine 96.
Molecular consequence: frameshift variant.
Genome position (GRCh38, 1-based): chr11:89,178,239, A duplicated. VCF-style (leftmost placement, unchanged base first): chr11-89178238-C-CA. GRCh37 (hg19) VCF-style: chr11-88911406-C-CA.
Other names: M96N; c.286dupA (NM_000372.5); c.286dup (NM_000372.4); short protein forms M96fs.
Identifiers: ClinVar variation 3788 (VCV000003788.36), dbSNP rs61753190, ClinGen allele CA227554.

ClinVar aggregate classification (germline): Pathogenic/Likely pathogenic. Review status: criteria provided, multiple submitters, no conflicts (2 of 4 stars). 10 submissions from 10 submitters: Pathogenic (7); Likely pathogenic (1). 2 of the submissions do not count toward it. Last evaluated 2025-12-06.

Conditions:
TYR-related disorder. Also called: TYR-related condition.
Oculocutaneous albinism type 1A (OCA1A). Also called: Albinism, oculocutaneous, type IA. Identifiers: Orphanet 352731, Orphanet 79431, MedGen C4551504, MONDO:0008745, OMIM 203100. Disease mechanism: loss of function.
SKIN/HAIR/EYE PIGMENTATION 3, LIGHT/DARK SKIN (SHEP3). Also called: SKIN/HAIR/EYE PIGMENTATION 3, BLUE/GREEN EYE COLOR; SKIN/HAIR/EYE PIGMENTATION 3, FRECKLING; EYE COLOR 1; EYE COLOR, GREEN/BLUE; SKIN/HAIR/EYE PIGMENTATION, VARIATION IN, 3. Identifiers: MedGen C2677190, OMIM 601800.
Abnormality of the skin. Identifiers: MedGen C5848159, HP:0000951.

Allele frequency attached by ClinVar (database versions not stated): gnomAD exomes below 0.00001.

Submissions (10):

Labcorp Genetics (formerly Invitae), Labcorp
Classification: Pathogenic. Last evaluated: 2025-12-06. Review status: criteria provided, single submitter. Criteria: Invitae Variant Classification Sherloc (09022015). Collection method: clinical testing. Allele origin: germline.
Comment: This sequence change creates a premature translational stop signal (p.Met96Asnfs*73) in the TYR gene. It is expected to result in an absent or disrupted protein product. Loss-of-function variants in TYR are known to be pathogenic (PMID: 23504663). This variant is not present in population databases (gnomAD no frequency). This premature translational stop signal has been observed in individual(s) with oculocutaneous albinism (PMID: 1905879). This variant is also known as a single base insertion at codon 96 resulting in a premature termination signal at codon 168. ClinVar contains an entry for this variant (Variation ID: 3788). For these reasons, this variant has been classified as Pathogenic.

PreventionGenetics, part of Exact Sciences
Classification: Pathogenic for TYR-related condition. Last evaluated: 2025-09-25. Review status: criteria provided, single submitter. Criteria: ACMG Guidelines, 2015. Collection method: clinical testing. Allele origin: germline.
Comment: The TYR c.286dupA variant is predicted to result in a frameshift and premature protein termination (p.Met96Asnfs*73). This variant has been reported in the homozygous and compound heterozygous states in individuals with oculocutaneous albinism (Oetting et al. 1991. PubMed ID: 1905879; Khordadpoor-Deilamani et al. 2015. PubMed ID: 26167114). This variant is present in 0.00088% of alleles in individuals of European (Non-Finnish) descent in gnomAD. Frameshift variants in TYR are an established mechanism of disease. Given the evidence, we interpret this variant as pathogenic.

Baylor Genetics
Classification: Pathogenic for SKIN/HAIR/EYE PIGMENTATION 3, LIGHT/DARK SKIN. Last evaluated: 2024-01-16. Review status: criteria provided, single submitter. Criteria: ACMG Guidelines, 2015. Collection method: clinical testing. Allele origin: unknown.

Blueprint Genetics
Classification: Pathogenic for TYR-related disorders. Last evaluated: 2023-05-02. Review status: criteria provided, single submitter. Criteria: ACMG Guidelines, 2015. Collection method: clinical testing. Allele origin: germline. Affected: yes. Observed: 2 variant alleles.

GeneDx
Classification: Pathogenic. Last evaluated: 2022-05-19. Review status: criteria provided, single submitter. Criteria: GeneDx Variant Classification Process June 2021. Collection method: clinical testing. Allele origin: germline. Affected: yes.
Comment: Frameshift variant predicted to result in protein truncation or nonsense mediated decay in a gene for which loss of function is a known mechanism of disease; Not observed at significant frequency in large population cohorts (gnomAD); This variant is associated with the following publications: (PMID: 1905879)

MGZ Medical Genetics Center
Classification: Pathogenic for Oculocutaneous albinism type 1A. Last evaluated: 2022-05-03. Review status: criteria provided, single submitter. Criteria: ACMG Guidelines, 2015. Collection method: clinical testing. Allele origin: germline. Affected: yes. Observed: 1 variant allele.
Comment: ACMG criteria applied: PVS1, PM3_STR, PM2_SUP

Genome-Nilou Lab
Classification: Pathogenic for Oculocutaneous albinism type 1A. Last evaluated: 2021-07-22. Review status: criteria provided, single submitter. Criteria: ACMG Guidelines, 2015. Collection method: clinical testing. Allele origin: germline. Affected: yes.

Kariminejad - Najmabadi Pathology & Genetics Center
Classification: Likely pathogenic for Abnormality of the skin. Last evaluated: 2021-07-10. Review status: criteria provided, single submitter. Criteria: ACMG Guidelines, 2015. Collection method: clinical testing. Allele origin: germline. Affected: yes.

OMIM
Classification: Pathogenic for ALBINISM, OCULOCUTANEOUS, TYPE IA. Last evaluated: 1991-07-01. Review status: no assertion criteria provided. Collection method: literature only. Allele origin: germline. Not counted in ClinVar's aggregate classification.

Retina International
No classification provided. Review status: no classification provided. Collection method: not provided. Allele origin: unknown. Not counted in ClinVar's aggregate classification.

Literature cited by the submitters: PubMed 23504663 (cited by Labcorp Genetics (formerly Invitae), Labcorp); PubMed 1905879 (cited by Labcorp Genetics (formerly Invitae), Labcorp and OMIM).